The following is an entry in ClinVar:

ClinVar aggregate classification (germline): Likely benign. Review status: criteria provided, multiple submitters, no conflicts (2 of 4 stars). 4 submissions from 4 submitters: Likely benign (3). 1 of the submissions does not count toward it. Last evaluated 2026-10-01.

Conditions:
FMN2-related disorder. Also called: FMN2-related condition.

Allele frequency attached by ClinVar (database versions not stated): gnomAD 0.00008 and 0.00009.

Submissions (4):

CeGaT Center for Human Genetics Tuebingen
Classification: Likely benign. Last evaluated: 2026-10-01. Review status: criteria provided, single submitter. Criteria: CeGaT Center For Human Genetics Tuebingen Variant Classification Criteria Version 2. Collection method: clinical testing. Allele origin: germline. Affected: yes. Observed: 17 variant alleles.
Comment: FMN2: BP4, BP7

Blueprint Genetics
Classification: Likely benign. Last evaluated: 2024-11-26. Review status: criteria provided, single submitter. Criteria: ACMG Guidelines, 2015. Collection method: clinical testing. Allele origin: germline.

Breakthrough Genomics
Classification: Likely benign. Review status: criteria provided, single submitter. Criteria: ACMG Guidelines, 2015. Collection method: not provided. Allele origin: germline. Inheritance: Autosomal recessive inheritance. Affected: yes.

PreventionGenetics, part of Exact Sciences
Classification: Likely benign for FMN2-related condition. Last evaluated: 2020-01-03. Review status: no assertion criteria provided. Collection method: clinical testing. Allele origin: germline. Not counted in ClinVar's aggregate classification.
Comment: This variant is classified as likely benign based on ACMG/AMP sequence variant interpretation guidelines (Richards et al. 2015 PMID: 25741868, with internal and published modifications).

NM_020066.5(FMN2):c.3390C>T (p.Pro1130=)

Gene: FMN2 (formin 2; plus strand). Cytogenetic location: 1q43.
Variant type: single nucleotide variant.
Coding change: c.3390C>T on transcript NM_020066.5 (MANE Select); coding-DNA position 3390, C replaced by T.
Protein change: p.Pro1130=; no amino-acid change (proline 1130 retained).
Molecular consequence: synonymous variant. On other transcripts: intron variant (1).
Genome position (GRCh38, 1-based): chr1:240,208,202, C>T. VCF-style: chr1-240208202-C-T. GRCh37 (hg19) VCF-style: chr1-240371502-C-T.
Other names: c.3402C>T, p.Pro1134= (NM_001305424.2); c.1986+19940C>T (NM_001348094.2); c.3390C>T (NM_020066.4).
Identifiers: ClinVar variation 1176860 (VCV001176860.38), dbSNP rs200984130, ClinGen allele CA1477145.
Genomic context (GRCh38, chr1:240,208,202, plus strand): 5'-GCCCCCTCTACCCGGAGCGGGCATACCCCCTCCTCCCCCTCTACCCGGAGCGGGCATACC[C>T]CCTCCTCCCCCTCTTCCCGGAGCGGGCATACCTCCTCCACCCCCTCTACCCAGAGTGGGC-3'
Protein context (NP_064450.3, residues 1120-1140): PPPPLPGAGI[Pro1130=]PPPPLPGAGI